The following is an entry in ClinVar:

NM_003803.4(MYOM1):c.3409A>T (p.Thr1137Ser)

Gene: MYOM1 (myomesin 1; minus strand). Cytogenetic location: 18p11.31.
Variant type: single nucleotide variant.
Coding change: c.3409A>T on transcript NM_003803.4 (MANE Select); coding-DNA position 3409, A replaced by T.
Protein change: p.Thr1137Ser; replaces threonine 1137 with serine.
Molecular consequence: missense variant.
Genome position (GRCh38, 1-based): chr18:3,112,307, T>A on the plus strand (A>T on the coding strand, the complement: MYOM1 is on the minus strand). VCF-style: chr18-3112307-T-A. GRCh37 (hg19) VCF-style: chr18-3112305-T-A.
Other names: c.3121A>T, p.Thr1041Ser (NM_019856.2); c.3409A>T (NM_003803.3); short protein forms T1137S, T1041S.
Identifiers: ClinVar variation 1435310 (VCV001435310.10), dbSNP rs2143800832, ClinGen allele CA401704573.

ClinVar aggregate classification (germline): Uncertain significance. Review status: criteria provided, multiple submitters, no conflicts (2 of 4 stars). 2 submissions from 2 submitters: Uncertain significance (2). Last evaluated 2025-02-27.

Conditions:
Hypertrophic cardiomyopathy. Also called: HYPERTROPHIC MYOCARDIOPATHY. Identifiers: Orphanet 217569, MedGen C0007194, MeSH D002312, MONDO:0005045, HP:0001639.

gnomAD v4.1: 2 of 1,613,106 alleles (0.00012%); no homozygotes.

Submissions (2):

Ambry Genetics
Classification: Uncertain significance. Last evaluated: 2025-02-27. Review status: criteria provided, single submitter. Criteria: Ambry Variant Classification Scheme 2023. Collection method: clinical testing. Allele origin: germline.
Comment: The p.T1137S variant (also known as c.3409A>T), located in coding exon 21 of the MYOM1 gene, results from an A to T substitution at nucleotide position 3409. The threonine at codon 1137 is replaced by serine, an amino acid with similar properties. This amino acid position is conserved. In addition, this alteration is predicted to be tolerated by in silico analysis. Based on the available evidence, the clinical significance of this variant remains unclear.

Labcorp Genetics (formerly Invitae), Labcorp
Classification: Uncertain significance for Hypertrophic cardiomyopathy. Last evaluated: 2021-05-03. Review status: criteria provided, single submitter. Criteria: Invitae Variant Classification Sherloc (09022015). Collection method: clinical testing. Allele origin: germline.
Comment: In summary, the available evidence is currently insufficient to determine the role of this variant in disease. Therefore, it has been classified as a Variant of Uncertain Significance. Algorithms developed to predict the effect of missense changes on protein structure and function are either unavailable or do not agree on the potential impact of this missense change (SIFT: "Tolerated"; PolyPhen-2: "Possibly Damaging"; Align-GVGD: "Class C0"). This variant has not been reported in the literature in individuals with MYOM1-related conditions. This variant is not present in population databases (ExAC no frequency). This sequence change replaces threonine with serine at codon 1137 of the MYOM1 protein (p.Thr1137Ser). The threonine residue is moderately conserved and there is a small physicochemical difference between threonine and serine.